The following is an entry in ClinVar:

NM_005720.4(ARPC1B):c.1016A>G (p.Lys339Arg)

Gene: ARPC1B (actin related protein 2/3 complex subunit 1B; plus strand). Cytogenetic location: 7q22.1.
Variant type: single nucleotide variant.
Coding change: c.1016A>G on transcript NM_005720.4 (MANE Select); coding-DNA position 1016, A replaced by G.
Protein change: p.Lys339Arg; replaces lysine 339 with arginine.
Molecular consequence: missense variant.
Genome position (GRCh38, 1-based): chr7:99,394,055, A>G. VCF-style: chr7-99394055-A-G. GRCh37 (hg19) VCF-style: chr7-98991678-A-G.
Other names: c.1016A>G (NM_005720.3); short protein forms K339R.
Identifiers: ClinVar variation 3667515 (VCV003667515.2).

ClinVar aggregate classification (germline): Uncertain significance. Review status: criteria provided, multiple submitters, no conflicts (2 of 4 stars). 2 submissions from 2 submitters: Uncertain significance (2). Last evaluated 2025-01-22.

Conditions:
Inborn genetic diseases. Identifiers: MedGen C0950123, MeSH D030342.

gnomAD v4.1: 29 of 1,613,234 alleles (0.0018%); highest among the groups gnomAD compares: Admixed American, 0.0067%; no homozygotes.

Submissions (2):

Ambry Genetics
Classification: Uncertain significance for Inborn genetic diseases. Last evaluated: 2025-01-22. Review status: criteria provided, single submitter. Criteria: Ambry Variant Classification Scheme 2023. Collection method: clinical testing. Allele origin: germline.

Labcorp Genetics (formerly Invitae), Labcorp
Classification: Uncertain significance. Last evaluated: 2024-12-16. Review status: criteria provided, single submitter. Criteria: Invitae Variant Classification Sherloc (09022015). Collection method: clinical testing. Allele origin: germline.
Comment: This sequence change replaces lysine, which is basic and polar, with arginine, which is basic and polar, at codon 339 of the ARPC1B protein (p.Lys339Arg). This variant is present in population databases (rs202075966, gnomAD 0.007%). This variant has not been reported in the literature in individuals affected with ARPC1B-related conditions. Invitae Evidence Modeling of protein sequence and biophysical properties (such as structural, functional, and spatial information, amino acid conservation, physicochemical variation, residue mobility, and thermodynamic stability) indicates that this missense variant is not expected to disrupt ARPC1B protein function with a negative predictive value of 80%. In summary, the available evidence is currently insufficient to determine the role of this variant in disease. Therefore, it has been classified as a Variant of Uncertain Significance.